The following is an entry in ClinVar:

NM_001322934.2(NFKB2):c.1310C>A (p.Pro437Gln)

Genes: NFKB2 (nuclear factor kappa B subunit 2; plus strand), LOC130004599 (ATAC-STARR-seq lymphoblastoid silent region 2756; plus strand). Cytogenetic location: 10q24.32.
Variant type: single nucleotide variant.
Coding change: c.1310C>A on transcript NM_001322934.2 (MANE Select); coding-DNA position 1310, C replaced by A.
Protein change: p.Pro437Gln; replaces proline 437 with glutamine.
Molecular consequence: missense variant.
Genome position (GRCh38, 1-based): chr10:102,399,480, C>A. VCF-style: chr10-102399480-C-A. GRCh37 (hg19) VCF-style: chr10-104159237-C-A.
Other names: c.1310C>A, p.Pro437Gln (NM_002502.6, NM_001077494.3, NM_001261403.3 and 1 more transcripts); c.1184C>A, p.Pro395Gln (NM_001322935.1); short protein forms P395Q, P437Q.
Identifiers: ClinVar variation 4874394 (VCV004874394.2).

ClinVar aggregate classification (germline): Uncertain significance (1 of 4 stars; one submission).

Submission:

CeGaT Center for Human Genetics Tuebingen
Classification: Uncertain significance. Last evaluated: 2026-05-01. Review status: criteria provided, single submitter. Criteria: CeGaT Center For Human Genetics Tuebingen Variant Classification Criteria Version 2. Collection method: clinical testing. Allele origin: germline. Affected: yes. Observed: 1 variant allele.
Comment: NFKB2: PM2